The following is an entry in ClinVar:

NM_018646.6(TRPV6):c.2014C>A (p.Arg672=)

Gene: TRPV6 (transient receptor potential cation channel subfamily V member 6; minus strand). Cytogenetic location: 7q34.
Variant type: single nucleotide variant.
Coding change: c.2014C>A on transcript NM_018646.6 (MANE Select); coding-DNA position 2014, C replaced by A.
Protein change: p.Arg672=; no amino-acid change (arginine 672 retained).
Molecular consequence: synonymous variant.
Genome position (GRCh38, 1-based): chr7:142,872,373, G>T on the plus strand (C>A on the coding strand, the complement: TRPV6 is on the minus strand). VCF-style: chr7-142872373-G-T. GRCh37 (hg19) VCF-style: chr7-142570126-G-T.
Identifiers: ClinVar variation 3676251 (VCV003676251.2).
Genomic context (GRCh38, chr7:142,872,373, plus strand): 5'-AGGGGGATACCCTGCCGATGAGGCTTCTCAGGGGACACCTACCCCCGCATATCACTCACC[G>T]CAGGAACCAGCGGTCTCCCAGGCCATACTCCCGTCCGCAGATCCCGGAGCGAGGCCACAG-3'
Protein context (NP_061116.5, residues 662-682): EYGLGDRWFL[Arg672=]VEDRQDLNRQ

ClinVar aggregate classification (germline): Uncertain significance (1 of 4 stars; one submission).

gnomAD v4.1: 4 of 1,613,978 alleles (0.00025%); highest among the groups gnomAD compares: Admixed American, 0.0017%; no homozygotes.

Submission:

Labcorp Genetics (formerly Invitae), Labcorp
Classification: Uncertain significance. Last evaluated: 2024-08-29. Review status: criteria provided, single submitter. Criteria: Invitae Variant Classification Sherloc (09022015). Collection method: clinical testing. Allele origin: germline.
Comment: This sequence change affects codon 672 of the TRPV6 mRNA. It is a 'silent' change, meaning that it does not change the encoded amino acid sequence of the TRPV6 protein. It affects a nucleotide within the consensus splice site. This variant is present in population databases (rs753833631, gnomAD 0.003%). This variant has not been reported in the literature in individuals affected with TRPV6-related conditions. Algorithms developed to predict the effect of sequence changes on RNA splicing suggest that this variant is not likely to affect RNA splicing. In summary, the available evidence is currently insufficient to determine the role of this variant in disease. Therefore, it has been classified as a Variant of Uncertain Significance.